The following is an entry in ClinVar:

NM_000486.6(AQP2):c.725C>T (p.Pro242Leu)

Genes: AQP2 (aquaporin 2; plus strand), AQP5-AS1 (AQP5 and AQP2 antisense RNA 2; minus strand). Cytogenetic location: 12q13.12.
Variant type: single nucleotide variant.
Coding change: c.725C>T on transcript NM_000486.6 (MANE Select); coding-DNA position 725, C replaced by T.
Protein change: p.Pro242Leu; replaces proline 242 with leucine.
Molecular consequence: missense variant.
Genome position (GRCh38, 1-based): chr12:49,955,517, C>T. VCF-style: chr12-49955517-C-T. GRCh37 (hg19) VCF-style: chr12-50349300-C-T.
Other names: short protein forms P242L.
Identifiers: ClinVar variation 3574924 (VCV003574924.3).

ClinVar aggregate classification (germline): Uncertain significance. Review status: criteria provided, multiple submitters, no conflicts (2 of 4 stars). 3 submissions from 3 submitters: Uncertain significance (3). Last evaluated 2025-09-05.

Conditions:
Inborn genetic diseases. Identifiers: MedGen C0950123, MeSH D030342.
Diabetes insipidus, nephrogenic, autosomal (NDI2). Also called: Nephrogenic Diabetes Insipidus, Type II; Diabetes insipidus, nephrogenic, 2, autosomal. Identifiers: Orphanet 223, MedGen C1563706, MONDO:0007451, OMIM 125800.

Submissions (3):

Ambry Genetics
Classification: Uncertain significance for Inborn genetic diseases. Last evaluated: 2025-09-05. Review status: criteria provided, single submitter. Criteria: Ambry Variant Classification Scheme 2023. Collection method: clinical testing. Allele origin: germline.

Labcorp Genetics (formerly Invitae), Labcorp
Classification: Uncertain significance. Last evaluated: 2025-04-27. Review status: criteria provided, single submitter. Criteria: Invitae Variant Classification Sherloc (09022015). Collection method: clinical testing. Allele origin: germline.
Comment: This sequence change replaces proline, which is neutral and non-polar, with leucine, which is neutral and non-polar, at codon 242 of the AQP2 protein (p.Pro242Leu). This variant is present in population databases (rs778056386, gnomAD 0.003%). This variant has not been reported in the literature in individuals affected with AQP2-related conditions. ClinVar contains an entry for this variant (Variation ID: 3574924). Invitae Evidence Modeling of protein sequence and biophysical properties (such as structural, functional, and spatial information, amino acid conservation, physicochemical variation, residue mobility, and thermodynamic stability) indicates that this missense variant is not expected to disrupt AQP2 protein function with a negative predictive value of 95%. In summary, the available evidence is currently insufficient to determine the role of this variant in disease. Therefore, it has been classified as a Variant of Uncertain Significance.

Fulgent Genetics
Classification: Uncertain significance for Diabetes insipidus, nephrogenic, autosomal. Last evaluated: 2024-06-24. Review status: criteria provided, single submitter. Criteria: ACMG Guidelines, 2015. Collection method: clinical testing. Allele origin: germline.